The following is an entry in ClinVar:

NM_017714.3(TASP1):c.726C>T (p.His242=)

Gene: TASP1 (taspase 1; minus strand). Cytogenetic location: 20p12.1.
Variant type: single nucleotide variant.
Coding change: c.726C>T on transcript NM_017714.3 (MANE Select); coding-DNA position 726, C replaced by T.
Protein change: p.His242=; no amino-acid change (histidine 242 retained).
Molecular consequence: synonymous variant. On other transcripts: non-coding transcript variant (4).
Genome position (GRCh38, 1-based): chr20:13,534,091, G>A on the plus strand (C>T on the coding strand, the complement: TASP1 is on the minus strand). VCF-style: chr20-13534091-G-A. GRCh37 (hg19) VCF-style: chr20-13514738-G-A.
Other names: c.333C>T, p.His111= (NM_001323602.2); c.420C>T, p.His140= (NM_001323603.2, NM_001323604.2).
Identifiers: ClinVar variation 2652206 (VCV002652206.24), dbSNP rs752040376, ClinGen allele CA9766617.

ClinVar aggregate classification (germline): Likely benign (1 of 4 stars; one submission).

Allele frequency attached by ClinVar (database versions not stated): TOPMed 0.00001; gnomAD 0.00003; gnomAD exomes 0.00003; ExAC 0.00005.
gnomAD v4.1: 44 of 1,613,456 alleles (0.0027%); highest among the groups gnomAD compares: South Asian, 0.034%; no homozygotes.

Submission:

CeGaT Center for Human Genetics Tuebingen
Classification: Likely benign. Last evaluated: 2022-08-01. Review status: criteria provided, single submitter. Criteria: CeGaT Center For Human Genetics Tuebingen Variant Classification Criteria Version 2. Collection method: clinical testing. Allele origin: germline. Affected: yes. Observed: 1 variant allele.
Comment: TASP1: BP4, BP7